The following is an entry in ClinVar:

NM_000531.6(OTC):c.810AGA[1] (p.Glu273del)

Gene: OTC (ornithine transcarbamylase; plus strand). Cytogenetic location: Xp11.4.
Variant type: Microsatellite.
Coding change: c.810AGA[1] on transcript NM_000531.6 (MANE Select); one copy of the 3-base unit AGA starting at c.810; the reference has two copies in a row; one copy, 3 bases deleted.
Protein change: p.Glu273del; deletes glutamic acid 273.
Molecular consequence: inframe deletion.
Genome position (GRCh38, 1-based): chrX:38,408,971-38,408,973, AGA deleted; deleting any 3 consecutive bases within chrX:38,408,967-38,408,973 gives the same sequence; the position shown is the placement nearest the transcript's 3' end. VCF-style (leftmost placement, unchanged base first): chrX-38408966-CAAG-C. GRCh37 (hg19) VCF-style: chrX-38268219-CAAG-C.
Other names: short protein forms E273del.
Identifiers: ClinVar variation 1483115 (VCV001483115.6), dbSNP rs2147345212, ClinGen allele CA2580616980.
Genomic context (GRCh38, chrX:38,408,966, plus strand): 5'-CCATTGGAAGCAGCGCATGGAGGCAATGTATTAATTACAGACACTTGGATAAGCATGGGA[CAAG>C]AAGAGGAGAAGAAAAAGCGGCTCCAGGCTTTCCAAGGTTACCAGGTTACAATGAAGGTAC-3'

ClinVar aggregate classification (germline): Likely pathogenic (1 of 4 stars; one submission).

Conditions:
Ornithine carbamoyltransferase deficiency (OTCD). Also called: ORNITHINE TRANSCARBAMYLASE DEFICIENCY; Ornithine Carbamoyltransferase Deficiency Disease; ORNITHINE TRANSCARBAMYLASE DEFICIENCY, HYPERAMMONEMIA DUE TO; OTC DEFICIENCY. Identifiers: Orphanet 664, MedGen C0268542, MONDO:0010703, OMIM 311250.

Submission:

Labcorp Genetics (formerly Invitae), Labcorp
Classification: Likely pathogenic for Ornithine carbamoyltransferase deficiency. Last evaluated: 2021-06-23. Review status: criteria provided, single submitter. Criteria: Invitae Variant Classification Sherloc (09022015). Collection method: clinical testing. Allele origin: germline.
Comment: This variant, c.813_815del, results in the deletion of 1 amino acid(s) of the OTC protein (p.Glu273del), but otherwise preserves the integrity of the reading frame. This variant is not present in population databases (ExAC no frequency). A different variant (c.817_819del) giving rise to the same protein effect has been determined to be pathogenic (PMID: 8956045,17334707, 25433810, 32420033). This suggests that this variant is also likely to be causative of disease. In summary, the currently available evidence indicates that the variant is pathogenic, but additional data are needed to prove that conclusively. Therefore, this variant has been classified as Likely Pathogenic.

Literature cited by the submitters: PubMed 8956045; PubMed 17334707; PubMed 25433810; PubMed 32420033.